The following is an entry in ClinVar:

NM_000492.4(CFTR):c.1584+9C>T

Genes: CFTR (CF transmembrane conductance regulator; plus strand), CFTR-AS1 (CFTR antisense RNA 1; minus strand). Cytogenetic location: 7q31.2.
Variant type: single nucleotide variant.
Coding change: c.1584+9C>T on transcript NM_000492.4 (MANE Select); 9 bases into the intron after coding-DNA position 1584, C replaced by T.
Molecular consequence: intron variant.
Genome position (GRCh38, 1-based): chr7:117,559,664, C>T. VCF-style: chr7-117559664-C-T. GRCh37 (hg19) VCF-style: chr7-117199718-C-T.
Other names: c.1584+9C>T (NM_000492.3).
Identifiers: ClinVar variation 1128071 (VCV001128071.10), dbSNP rs2115939119, ClinGen allele CA2499218689.
Genomic context (GRCh38, chr7:117,559,664, plus strand): 5'-CTATGATGAATATAGATACAGAAGCGTCATCAAAGCATGCCAACTAGAAGAGGTAAGAAA[C>T]TATGTGAAAACTTTTTGATTATGCATATGAACCCTTCACACTACCCAAATTATATATTTG-3'

ClinVar aggregate classification (germline): Likely benign. Review status: criteria provided, multiple submitters, no conflicts (2 of 4 stars). 2 submissions from 2 submitters: Likely benign (2). Last evaluated 2026-06-17.

Conditions:
CFTR-related disorder (CFTR-RD). Also called: CFTR-related condition; CFTR-related disorders. Identifiers: MedGen C5924204, MONDO:7770004.
Cystic fibrosis (CF). Also called: MUCOVISCIDOSIS. Identifiers: Orphanet 586, MedGen C0010674, MONDO:0009061, OMIM 219700. Disease mechanism: loss of function.

Submissions (2):

PreventionGenetics, part of Exact Sciences
Classification: Likely benign for CFTR-related condition. Last evaluated: 2026-06-17. Review status: criteria provided, single submitter. Criteria: ACMG Guidelines, 2015. Collection method: clinical testing. Allele origin: germline.
Comment: This variant is classified as likely benign based on ACMG/AMP sequence variant interpretation guidelines (Richards et al. 2015 PMID: 25741868, with internal and published modifications).

Labcorp Genetics (formerly Invitae), Labcorp
Classification: Likely benign for Cystic fibrosis. Last evaluated: 2020-06-22. Review status: criteria provided, single submitter. Criteria: Invitae Variant Classification Sherloc (09022015). Collection method: clinical testing. Allele origin: germline.